The following is an entry in ClinVar:

NM_015057.5(MYCBP2):c.11007C>A (p.Ser3669Arg)

Genes: MYCBP2 (MYC binding protein 2; minus strand), MYCBP2-AS1 (MYCBP2 antisense RNA 1; plus strand). Cytogenetic location: 13q22.3.
Variant type: single nucleotide variant.
Coding change: c.11007C>A on transcript NM_015057.5 (MANE Select); coding-DNA position 11007, C replaced by A.
Protein change: p.Ser3669Arg; replaces serine 3669 with arginine.
Molecular consequence: missense variant. On other transcripts: non-coding transcript variant (1).
Genome position (GRCh38, 1-based): chr13:77,083,061, G>T on the plus strand (C>A on the coding strand, the complement: MYCBP2 is on the minus strand). VCF-style: chr13-77083061-G-T. GRCh37 (hg19) VCF-style: chr13-77657196-G-T.
Other names: short protein forms S3669R.
Identifiers: ClinVar variation 2580383 (VCV002580383.1), dbSNP rs141958299, ClinGen allele CA388384419.

ClinVar aggregate classification (germline): Uncertain significance (1 of 4 stars; one submission).

Submission:

GeneDx
Classification: Uncertain significance. Last evaluated: 2023-03-20. Review status: criteria provided, single submitter. Criteria: GeneDx Variant Classification Process June 2021. Collection method: clinical testing. Allele origin: germline. Affected: yes.
Comment: Not observed at significant frequency in large population cohorts (gnomAD); In silico analysis supports that this missense variant does not alter protein structure/function; Has not been previously published as pathogenic or benign to our knowledge.